The following is an entry in ClinVar:

ClinVar aggregate classification (germline): Uncertain significance (1 of 4 stars; one submission).

Allele frequency attached by ClinVar (database versions not stated): 1000 Genomes Project 30x 0.00016.
gnomAD v4.1: 17 of 1,613,704 alleles (0.0011%); highest among the groups gnomAD compares: East Asian, 0.038%; no homozygotes.

Submission:

Labcorp Genetics (formerly Invitae), Labcorp
Classification: Uncertain significance. Last evaluated: 2021-11-30. Review status: criteria provided, single submitter. Criteria: Invitae Variant Classification Sherloc (09022015). Collection method: clinical testing. Allele origin: germline.
Comment: This sequence change replaces proline, which is neutral and non-polar, with serine, which is neutral and polar, at codon 1151 of the PCLO protein (p.Pro1151Ser). This variant is present in population databases (rs201837844, gnomAD 0.05%). This variant has not been reported in the literature in individuals affected with PCLO-related conditions. Algorithms developed to predict the effect of missense changes on protein structure and function are either unavailable or do not agree on the potential impact of this missense change (SIFT: "Tolerated"; PolyPhen-2: "Not Available"; Align-GVGD: "Class C0"). In summary, the available evidence is currently insufficient to determine the role of this variant in disease. Therefore, it has been classified as a Variant of Uncertain Significance.

NM_033026.6(PCLO):c.3451C>T (p.Pro1151Ser)

Gene: PCLO (piccolo presynaptic cytomatrix protein; minus strand). Cytogenetic location: 7q21.11.
Variant type: single nucleotide variant.
Coding change: c.3451C>T on transcript NM_033026.6 (MANE Select); coding-DNA position 3451, C replaced by T.
Protein change: p.Pro1151Ser; replaces proline 1151 with serine.
Molecular consequence: missense variant.
Genome position (GRCh38, 1-based): chr7:82,966,337, G>A on the plus strand (C>T on the coding strand, the complement: PCLO is on the minus strand). VCF-style: chr7-82966337-G-A. GRCh37 (hg19) VCF-style: chr7-82595653-G-A.
Other names: c.3451C>T, p.Pro1151Ser (NM_014510.3); short protein forms P1151S.
Identifiers: ClinVar variation 1379114 (VCV001379114.3), dbSNP rs201837844, ClinGen allele CA4321037.